The following is an entry in ClinVar:

ClinVar aggregate classification (germline): Uncertain significance (1 of 4 stars; one submission).

Allele frequency attached by ClinVar (database versions not stated): gnomAD exomes below 0.00001; TOPMed 0.00001.
gnomAD v4.1: 3 of 1,598,974 alleles (0.00019%); highest among the groups gnomAD compares: Non-Finnish European, 0.00026%; no homozygotes.

Submission:

Labcorp Genetics (formerly Invitae), Labcorp
Classification: Uncertain significance. Last evaluated: 2021-08-18. Review status: criteria provided, single submitter. Criteria: Invitae Variant Classification Sherloc (09022015). Collection method: clinical testing. Allele origin: germline.
Comment: In summary, the available evidence is currently insufficient to determine the role of this variant in disease. Therefore, it has been classified as a Variant of Uncertain Significance. Algorithms developed to predict the effect of missense changes on protein structure and function are either unavailable or do not agree on the potential impact of this missense change (SIFT: "Deleterious"; PolyPhen-2: "Possibly Damaging"; Align-GVGD: "Class C0"). This variant has not been reported in the literature in individuals with SZT2-related disease. This variant is not present in population databases (ExAC no frequency). This sequence change replaces glutamic acid with aspartic acid at codon 1890 of the SZT2 protein (p.Glu1890Asp). The glutamic acid residue is highly conserved and there is a small physicochemical difference between glutamic acid and aspartic acid.

NM_001365999.1(SZT2):c.5841G>C (p.Glu1947Asp)

Gene: SZT2 (SZT2 subunit of KICSTOR complex; plus strand). Cytogenetic location: 1p34.2.
Variant type: single nucleotide variant.
Coding change: c.5841G>C on transcript NM_001365999.1 (MANE Select); coding-DNA position 5841, G replaced by C.
Protein change: p.Glu1947Asp; replaces glutamic acid 1947 with aspartic acid.
Molecular consequence: missense variant.
Genome position (GRCh38, 1-based): chr1:43,434,422, G>C. VCF-style: chr1-43434422-G-C. GRCh37 (hg19) VCF-style: chr1-43900093-G-C.
Other names: c.5670G>C, p.Glu1890Asp (NM_015284.4); short protein forms E1947D, E1890D.
Identifiers: ClinVar variation 656733 (VCV000656733.7), dbSNP rs527259816, ClinGen allele CA340027216.
Genomic context (GRCh38, chr1:43,434,422, plus strand): 5'-GGTCAGATTATCCTTCCTTCCCAGGAGCCTGATTCGGGAGGATGGGGGGCCGGGCACTGA[G>C]TGTCGCCACCTGCAGCAGCTCCTGGTGAGGCGAGTTGGGGAGATCTGCAGGGAGGTCAAC-3'
Protein context (NP_001352928.1, residues 1937-1957): LIREDGGPGT[Glu1947Asp]CRHLQQLLVR